The following is an entry in ClinVar:

ClinVar aggregate classification (germline): Uncertain significance. Review status: criteria provided, multiple submitters, no conflicts (2 of 4 stars). 2 submissions from 2 submitters: Uncertain significance (2). Last evaluated 2023-10-29.

Allele frequency attached by ClinVar (database versions not stated): gnomAD exomes below 0.00001 and 0.00001; ExAC 0.00001; gnomAD 0.00001.
gnomAD v4.1: 16 of 1,614,126 alleles (0.00099%); highest among the groups gnomAD compares: Admixed American, 0.0017%; no homozygotes.

Submissions (2):

Labcorp Genetics (formerly Invitae), Labcorp
Classification: Uncertain significance. Last evaluated: 2023-10-29. Review status: criteria provided, single submitter. Criteria: Invitae Variant Classification Sherloc (09022015). Collection method: clinical testing. Allele origin: germline.
Comment: This sequence change replaces glutamic acid, which is acidic and polar, with lysine, which is basic and polar, at codon 1580 of the COL4A2 protein (p.Glu1580Lys). This variant is present in population databases (rs767665017, gnomAD 0.003%). This variant has not been reported in the literature in individuals affected with COL4A2-related conditions. ClinVar contains an entry for this variant (Variation ID: 1320758). Advanced modeling of protein sequence and biophysical properties (such as structural, functional, and spatial information, amino acid conservation, physicochemical variation, residue mobility, and thermodynamic stability) performed at Invitae indicates that this missense variant is not expected to disrupt COL4A2 protein function with a negative predictive value of 80%. In summary, the available evidence is currently insufficient to determine the role of this variant in disease. Therefore, it has been classified as a Variant of Uncertain Significance.

GeneDx
Classification: Uncertain significance. Last evaluated: 2020-01-02. Review status: criteria provided, single submitter. Criteria: GeneDx Variant Classification Process June 2021. Collection method: clinical testing. Allele origin: germline. Affected: yes.
Comment: Not observed at a significant frequency in large population cohorts (Lek et al., 2016); In silico analysis, which includes protein predictors and evolutionary conservation, supports that this variant does not alter protein structure/function; Has not been previously published as pathogenic or benign to our knowledge

NM_001846.4(COL4A2):c.4738G>A (p.Glu1580Lys)

Genes: COL4A2 (collagen type IV alpha 2 chain; plus strand), COL4A2-AS1 (COL4A2 antisense RNA 1; minus strand). Cytogenetic location: 13q34.
Variant type: single nucleotide variant.
Coding change: c.4738G>A on transcript NM_001846.4 (MANE Select); coding-DNA position 4738, G replaced by A.
Protein change: p.Glu1580Lys; replaces glutamic acid 1580 with lysine.
Molecular consequence: missense variant.
Genome position (GRCh38, 1-based): chr13:110,508,078, G>A. VCF-style: chr13-110508078-G-A. GRCh37 (hg19) VCF-style: chr13-111160425-G-A.
Other names: short protein forms E1580K.
Identifiers: ClinVar variation 1320758 (VCV001320758.5), dbSNP rs767665017, ClinGen allele CA7050639.